The following is an entry in ClinVar:

NC_000012.12:g.(?_102854491)_(102855289_?)del

Gene: PAH (phenylalanine hydroxylase; minus strand). Cytogenetic location: 12q23.2.
Variant type: Deletion.
Identifiers: ClinVar variation 527864 (VCV000527864.8).

ClinVar aggregate classification (germline): Pathogenic (1 of 4 stars; one submission).

Conditions:
Phenylketonuria (PKU). Also called: Phenylketonurias; Phenylketonuria (PKU); OLIGOPHRENIA PHENYLPYRUVICA; FOLLING DISEASE. Identifiers: Orphanet 716, MedGen C0031485, MONDO:0009861, OMIM 261600. Disease mechanism: loss of function.

Submission:

Labcorp Genetics (formerly Invitae), Labcorp
Classification: Pathogenic for Phenylketonuria. Last evaluated: 2017-08-21. Review status: criteria provided, single submitter. Criteria: Invitae Variant Classification Sherloc (09022015). Collection method: clinical testing. Allele origin: germline.
Comment: A similar variant has been reported in the literature in individuals affected with phenylketonuria and hyperphenylalaninemia (PMID: 24304607). This variant is a gross deletion of the genomic region encompassing part of exon 6 of the PAH gene, including the exon 6-intron 6 boundary (c.553_706+646delinsTACTTACCTAT). This is expected to create a premature translational stop signal and result in an absent or disrupted protein product. For these reasons, this variant has been classified as Pathogenic. Loss-of-function variants in PAH are known to be pathogenic (PMID: 1301187, 9634518).

Literature cited by the submitters: PubMed 24304607; PubMed 1301187; PubMed 9634518.